The following is an entry in ClinVar:

NM_001396959.1(TBC1D1):c.1665C>A (p.Ile555=)

Gene: TBC1D1 (TBC1 domain family member 1; plus strand). Cytogenetic location: 4p14.
Variant type: single nucleotide variant.
Coding change: c.1665C>A on transcript NM_001396959.1 (MANE Select); coding-DNA position 1665, C replaced by A.
Protein change: p.Ile555=; no amino-acid change (isoleucine 555 retained).
Molecular consequence: synonymous variant.
Genome position (GRCh38, 1-based): chr4:38,049,653, C>A. VCF-style: chr4-38049653-C-A. GRCh37 (hg19) VCF-style: chr4-38051274-C-A.
Other names: c.1665C>A, p.Ile555= (NM_001253912.2, NM_015173.4).
Identifiers: ClinVar variation 3034157 (VCV003034157.2), dbSNP rs751757894, ClinGen allele CA2887829.

ClinVar aggregate classification (germline): Likely benign (0 of 4 stars; one submission).

Conditions:
TBC1D1-related disorder. Also called: TBC1D1-related condition.

Allele frequency attached by ClinVar (database versions not stated): gnomAD 0.00001; ExAC 0.00002; TOPMed 0.00003.
gnomAD v4.1: 34 of 1,613,118 alleles (0.0021%); highest among the groups gnomAD compares: Admixed American, 0.0083%; no homozygotes.

Submission:

PreventionGenetics, part of Exact Sciences
Classification: Likely benign for TBC1D1-related condition. Last evaluated: 2019-06-12. Review status: no assertion criteria provided. Collection method: clinical testing. Allele origin: germline.
Comment: This variant is classified as likely benign based on ACMG/AMP sequence variant interpretation guidelines (Richards et al. 2015 PMID: 25741868, with internal and published modifications).